The following is an entry in ClinVar:

ClinVar aggregate classification (germline): Benign/Likely benign. Review status: criteria provided, multiple submitters, no conflicts (2 of 4 stars). 5 submissions from 5 submitters: Benign (2); Likely benign (3). Last evaluated 2026-01-20.

Conditions:
Genetic developmental and epileptic encephalopathy. Identifiers: MedGen CN379639, MONDO:0100062.
Methylmalonic acidemia with homocystinuria, type cblX (MAHCX). Also called: INTELLECTUAL DEVELOPMENTAL DISORDER, X-LINKED 3. Identifiers: Orphanet 369962, MedGen C0796208, MONDO:0010657, OMIM 309541.

Allele frequency attached by ClinVar (database versions not stated): ExAC 0.00074; gnomAD exomes 0.00074 and 0.00089; ESP Exome Variant Server 0.00128; gnomAD 0.00156 and 0.00157; TOPMed 0.00157; 1000 Genomes Project 30x 0.00291; 1000 Genomes Project 0.00371.
gnomAD v4.1: 1,165 of 1,208,001 alleles (0.096%); highest among the groups gnomAD compares: African/African-American, 0.36%; no homozygotes.

Submissions (5):

Labcorp Genetics (formerly Invitae), Labcorp
Classification: Benign for Methylmalonic acidemia with homocystinuria, type cblX. Last evaluated: 2026-01-20. Review status: criteria provided, single submitter. Criteria: Invitae Variant Classification Sherloc (09022015). Collection method: clinical testing. Allele origin: germline.

Blueprint Genetics
Classification: Likely benign. Last evaluated: 2024-09-24. Review status: criteria provided, single submitter. Criteria: ACMG Guidelines, 2015. Collection method: clinical testing. Allele origin: germline.

Cambridge Genomics Laboratory, East Genomic Laboratory Hub, NHS Genomic Medicine Service
Classification: Likely benign for Genetic developmental and epileptic encephalopathy. Last evaluated: 2019-06-21. Review status: criteria provided, single submitter. Criteria: ACGS Best Practice Guidelines for Variant Classification in Rare Disease 2020. Collection method: clinical testing. Allele origin: germline. Affected: yes. Observed: 1 variant allele.

GeneDx
Classification: Likely benign. Last evaluated: 2017-09-12. Review status: criteria provided, single submitter. Criteria: GeneDx Variant Classification (06012015). Collection method: clinical testing. Allele origin: germline. Affected: yes.
Comment: This variant is considered likely benign or benign based on one or more of the following criteria: it is a conservative change, it occurs at a poorly conserved position in the protein, it is predicted to be benign by multiple in silico algorithms, and/or has population frequency not consistent with disease.

Center for Pediatric Genomic Medicine, Children's Mercy Hospital and Clinics
Classification: Benign. Last evaluated: 2016-12-30. Review status: criteria provided, single submitter. Criteria: ACMG Guidelines, 2015. Collection method: clinical testing. Allele origin: germline.

NM_005334.3(HCFC1):c.3794C>T (p.Ser1265Leu)

Gene: HCFC1 (host cell factor C1; minus strand). Cytogenetic location: Xq28.
Variant type: single nucleotide variant.
Coding change: c.3794C>T on transcript NM_005334.3 (MANE Select); coding-DNA position 3794, C replaced by T.
Protein change: p.Ser1265Leu; replaces serine 1265 with leucine.
Molecular consequence: missense variant.
Genome position (GRCh38, 1-based): chrX:153,954,605, G>A on the plus strand (C>T on the coding strand, the complement: HCFC1 is on the minus strand). VCF-style: chrX-153954605-G-A. GRCh37 (hg19) VCF-style: chrX-153220056-G-A.
Other names: short protein forms S1265L.
Identifiers: ClinVar variation 376776 (VCV000376776.14), dbSNP rs189548179, ClinGen allele CA10557129.